The following is an entry in ClinVar:

NM_001142800.2(EYS):c.2446G>T (p.Asp816Tyr)

Gene: EYS (EGF-like photoreceptor maintenance factor; minus strand). Cytogenetic location: 6q12.
Variant type: single nucleotide variant.
Coding change: c.2446G>T on transcript NM_001142800.2 (MANE Select); coding-DNA position 2446, G replaced by T.
Protein change: p.Asp816Tyr; replaces aspartic acid 816 with tyrosine.
Molecular consequence: missense variant.
Genome position (GRCh38, 1-based): chr6:64,912,679, C>A on the plus strand (G>T on the coding strand, the complement: EYS is on the minus strand). VCF-style: chr6-64912679-C-A. GRCh37 (hg19) VCF-style: chr6-65622572-C-A.
Other names: c.2446G>T, p.Asp816Tyr (NM_001292009.2); short protein forms D816Y.
Identifiers: ClinVar variation 2127755 (VCV002127755.4), dbSNP rs2150076898, ClinGen allele CA364786500.

ClinVar aggregate classification (germline): Uncertain significance (1 of 4 stars; one submission).

Submission:

Labcorp Genetics (formerly Invitae), Labcorp
Classification: Uncertain significance. Last evaluated: 2022-04-18. Review status: criteria provided, single submitter. Criteria: Invitae Variant Classification Sherloc (09022015). Collection method: clinical testing. Allele origin: germline.
Comment: This sequence change replaces aspartic acid, which is acidic and polar, with tyrosine, which is neutral and polar, at codon 816 of the EYS protein (p.Asp816Tyr). This variant is not present in population databases (gnomAD no frequency). This variant has not been reported in the literature in individuals affected with EYS-related conditions. Algorithms developed to predict the effect of missense changes on protein structure and function (SIFT, PolyPhen-2, Align-GVGD) all suggest that this variant is likely to be disruptive. In summary, the available evidence is currently insufficient to determine the role of this variant in disease. Therefore, it has been classified as a Variant of Uncertain Significance.